The following is an entry in ClinVar:

ClinVar aggregate classification (germline): Likely pathogenic (1 of 4 stars; one submission).

Conditions:
PKD1-related disorder. Also called: PKD1-related condition.

Submission:

PreventionGenetics, part of Exact Sciences
Classification: Likely pathogenic for PKD1-related condition. Last evaluated: 2025-04-07. Review status: criteria provided, single submitter. Criteria: ACMG Guidelines, 2015. Collection method: clinical testing. Allele origin: germline.
Comment: The PKD1 c.10500-37_10514del52 variant is predicted to result in an in-frame deletion (splicing). This variant deletes the canonical splice acceptor site of exon 35. Variants that disrupt the consensus splice acceptor site in PKD1 are expected to be pathogenic. To our knowledge, this variant has not been reported in the literature or in a large population database (gnomAD), indicating this variant is rare. This variant is interpreted as likely pathogenic.

NM_001009944.3(PKD1):c.10500-37_10514del

Genes: PKD1 (polycystin 1, transient receptor potential channel interacting; minus strand), PKD1-AS1 (PKD1 antisense RNA 1; plus strand). Cytogenetic location: 16p13.3.
Variant type: Deletion.
Coding change: c.10500-37_10514del on transcript NM_001009944.3 (MANE Select); 37 bases into the intron before coding-DNA position 10500 through coding-DNA position 10514, 52 bases deleted.
Molecular consequence: splice acceptor variant.
Genome position (GRCh38, 1-based): chr16:2,094,196-2,094,247, 52 bases deleted. GRCh37 (hg19): chr16:2,144,204-2,144,255.
Other names: c.10497-37_10511del (NM_000296.4).
Identifiers: ClinVar variation 5000478 (VCV005000478.1).